The following is an entry in ClinVar:

NM_152383.5(DIS3L2):c.1659+3C>T

Gene: DIS3L2 (DIS3 like 3'-5' exoribonuclease 2; plus strand). Cytogenetic location: 2q37.1.
Variant type: single nucleotide variant.
Coding change: c.1659+3C>T on transcript NM_152383.5 (MANE Select); 3 bases into the intron after coding-DNA position 1659, C replaced by T.
Molecular consequence: intron variant.
Genome position (GRCh38, 1-based): chr2:232,263,443, C>T. VCF-style: chr2-232263443-C-T. GRCh37 (hg19) VCF-style: chr2-233128153-C-T.
Other names: c.1581+81C>T (NM_001257281.2).
Identifiers: ClinVar variation 1505738 (VCV001505738.6), dbSNP rs2106281408, ClinGen allele CA2573135564.

ClinVar aggregate classification (germline): Uncertain significance (1 of 4 stars; one submission).

Conditions:
Perlman syndrome (PRLMNS). Identifiers: Orphanet 2849, MedGen C0796113, MONDO:0009965, OMIM 267000.

Submission:

Labcorp Genetics (formerly Invitae), Labcorp
Classification: Uncertain significance for Perlman syndrome. Last evaluated: 2025-09-08. Review status: criteria provided, single submitter. Criteria: Invitae Variant Classification Sherloc (09022015). Collection method: clinical testing. Allele origin: germline.
Comment: This sequence change falls in intron 13 of the DIS3L2 gene. It does not directly change the encoded amino acid sequence of the DIS3L2 protein. It affects a nucleotide within the consensus splice site. This variant is not present in population databases (gnomAD no frequency). This variant has not been reported in the literature in individuals affected with DIS3L2-related conditions. ClinVar contains an entry for this variant (Variation ID: 1505738). Variants that disrupt the consensus splice site are a relatively common cause of aberrant splicing (PMID: 17576681, 9536098). Algorithms developed to predict the effect of sequence changes on RNA splicing suggest that this variant is not likely to affect RNA splicing. In summary, the available evidence is currently insufficient to determine the role of this variant in disease. Therefore, it has been classified as a Variant of Uncertain Significance.

Literature cited by the submitters: PubMed 17576681; PubMed 9536098.